The following is an entry in ClinVar:

NM_002470.4(MYH3):c.5618A>G (p.Gln1873Arg)

Gene: MYH3 (myosin heavy chain 3; minus strand). Cytogenetic location: 17p13.1.
Variant type: single nucleotide variant.
Coding change: c.5618A>G on transcript NM_002470.4 (MANE Select); coding-DNA position 5618, A replaced by G.
Protein change: p.Gln1873Arg; replaces glutamine 1873 with arginine.
Molecular consequence: missense variant.
Genome position (GRCh38, 1-based): chr17:10,629,882, T>C on the plus strand (A>G on the coding strand, the complement: MYH3 is on the minus strand). VCF-style: chr17-10629882-T-C. GRCh37 (hg19) VCF-style: chr17-10533199-T-C.
Other names: short protein forms Q1873R.
Identifiers: ClinVar variation 4886021 (VCV004886021.2).
Genomic context (GRCh38, chr17:10,629,882, plus strand): 5'-TCAGCACCTATCTCACTTACAGCCTCCTCCGCCTGCCTCTTGTAGGACTTGACTTTCACT[T>C]GCAGTTTATCCACCAGATCCTGCAATCTCAGCACATTCTTCCTGTCCTCTTCACTCTAAG-3'
Protein context (NP_002461.2, residues 1863-1883): LRLQDLVDKL[Gln1873Arg]VKVKSYKRQA

ClinVar aggregate classification (germline): Uncertain significance (1 of 4 stars; one submission).

gnomAD v4.1: 1 of 1,614,166 alleles (0.000062%); highest among the groups gnomAD compares: Non-Finnish European, 0.000085%; no homozygotes.

Submission:

Dasa
Classification: Uncertain significance. Last evaluated: 2025-09-15. Review status: criteria provided, single submitter. Criteria: DASA Assertion Criteria. Collection method: clinical testing. Allele origin: germline.
Comment: NM_002470.4(MYH3):c.5618A>G (p.Gln1873Arg) is a missense variant that results in the substitution of glutamine with arginine. This variant is rare in population databases. Computational prediction algorithms are consistent with a deleterious effect. The currently available literature and clinical evidence are not sufficient to establish a definitive association between this variant and the reported condition. Therefore, this variant is classified as a variant of uncertain significance.